The following is an entry in ClinVar:

NM_001737.5(C9):c.416G>A (p.Arg139His)

Gene: C9 (complement C9; minus strand). Cytogenetic location: 5p13.1.
Variant type: single nucleotide variant.
Coding change: c.416G>A on transcript NM_001737.5 (MANE Select); coding-DNA position 416, G replaced by A.
Protein change: p.Arg139His; replaces arginine 139 with histidine.
Molecular consequence: missense variant.
Genome position (GRCh38, 1-based): chr5:39,341,206, C>T on the plus strand (G>A on the coding strand, the complement: C9 is on the minus strand). VCF-style: chr5-39341206-C-T. GRCh37 (hg19) VCF-style: chr5-39341308-C-T.
Other names: short protein forms R139H.
Identifiers: ClinVar variation 2148275 (VCV002148275.2), dbSNP rs144527313, ClinGen allele CA3247020.

ClinVar aggregate classification (germline): Uncertain significance. Review status: criteria provided, multiple submitters, no conflicts (2 of 4 stars). 2 submissions from 2 submitters: Uncertain significance (2). Last evaluated 2024-01-30.

Conditions:
Inborn genetic diseases. Identifiers: MedGen C0950123, MeSH D030342.

Allele frequency attached by ClinVar (database versions not stated): gnomAD exomes 0.00001; ExAC 0.00003; ESP Exome Variant Server 0.00008; TOPMed 0.00014; 1000 Genomes Project 0.00020; 1000 Genomes Project 30x 0.00031.
gnomAD v4.1: 33 of 1,614,144 alleles (0.002%); highest among the groups gnomAD compares: Middle Eastern, 0.033%; no homozygotes.

Submissions (2):

Ambry Genetics
Classification: Uncertain significance for Inborn genetic diseases. Last evaluated: 2024-01-30. Review status: criteria provided, single submitter. Criteria: Ambry Variant Classification Scheme 2023. Collection method: clinical testing. Allele origin: germline.

Labcorp Genetics (formerly Invitae), Labcorp
Classification: Uncertain significance. Last evaluated: 2022-07-12. Review status: criteria provided, single submitter. Criteria: Invitae Variant Classification Sherloc (09022015). Collection method: clinical testing. Allele origin: germline.
Comment: This sequence change replaces arginine, which is basic and polar, with histidine, which is basic and polar, at codon 139 of the C9 protein (p.Arg139His). This variant is present in population databases (rs144527313, gnomAD 0.03%). This variant has not been reported in the literature in individuals affected with C9-related conditions. Algorithms developed to predict the effect of missense changes on protein structure and function are either unavailable or do not agree on the potential impact of this missense change (SIFT: "Not Available"; PolyPhen-2: "Probably Damaging"; Align-GVGD: "Not Available"). In summary, the available evidence is currently insufficient to determine the role of this variant in disease. Therefore, it has been classified as a Variant of Uncertain Significance.